The following is an entry in ClinVar:

ClinVar aggregate classification (germline): Uncertain significance. Review status: criteria provided, multiple submitters, no conflicts (2 of 4 stars). 3 submissions from 3 submitters: Uncertain significance (3). Last evaluated 2024-11-13.

Conditions:
Hereditary nonpolyposis colorectal neoplasms. Identifiers: MedGen C0009405, MeSH D003123.
Hereditary cancer-predisposing syndrome. Also called: Hereditary Cancer Syndrome; Hereditary neoplastic syndrome; Neoplastic Syndromes, Hereditary; Tumor predisposition. Identifiers: Orphanet 140162, MedGen C0027672, MeSH D009386, MONDO:0015356.

Submissions (3):

Women's Health and Genetics/Laboratory Corporation of America, LabCorp
Classification: Uncertain significance. Last evaluated: 2024-11-13. Review status: criteria provided, single submitter. Criteria: LabCorp Variant Classification Summary - May 2015. Collection method: clinical testing. Allele origin: germline.
Comment: Variant summary: MSH6 c.3700G>A (p.Glu1234Lys) results in a conservative amino acid change located in the ATPase domain of DNA mismatch repair MUTS family (IPR000432) of the encoded protein sequence. Four of five in-silico tools predict a benign effect of the variant on protein function. The variant was absent in 251224 control chromosomes. The available data on variant occurrences in the general population are insufficient to allow any conclusion about variant significance. To our knowledge, no occurrence of c.3700G>A in individuals affected with Hereditary Nonpolyposis Colorectal Cancer and no experimental evidence demonstrating its impact on protein function have been reported. ClinVar contains an entry for this variant (Variation ID: 455278). Based on the evidence outlined above, the variant was classified as uncertain significance.

Ambry Genetics
Classification: Uncertain significance for Hereditary cancer-predisposing syndrome. Last evaluated: 2018-10-25. Review status: criteria provided, single submitter. Criteria: Ambry Variant Classification Scheme 2023. Collection method: clinical testing. Allele origin: germline.
Comment: The p.E1234K variant (also known as c.3700G>A), located in coding exon 8 of the MSH6 gene, results from a G to A substitution at nucleotide position 3700. The glutamic acid at codon 1234 is replaced by lysine, an amino acid with similar properties. This amino acid position is highly conserved in available vertebrate species. In addition, this alteration is predicted to be deleterious by in silico analysis. In addition, the CoDP in silico tool predicts this alteration to have minor impact on molecular function, with a score of 0.031 (Terui H et al. J. Biomed. Sci. 2013 Apr;20:25). Since supporting evidence is limited at this time, the clinical significance of this alteration remains unclear.

Labcorp Genetics (formerly Invitae), Labcorp
Classification: Uncertain significance for Hereditary nonpolyposis colorectal neoplasms. Last evaluated: 2017-02-10. Review status: criteria provided, single submitter. Criteria: Invitae Variant Classification Sherloc (09022015). Collection method: clinical testing. Allele origin: germline.
Comment: This sequence change replaces glutamic acid with lysine at codon 1234 of the MSH6 protein (p.Glu1234Lys). The glutamic acid residue is highly conserved and there is a small physicochemical difference between glutamic acid and lysine. This variant is not present in population databases (ExAC no frequency) and has not been reported in the literature in individuals with a MSH6-related disease. Algorithms developed to predict the effect of missense changes on protein structure and function do not agree on the potential impact of this missense change (SIFT: "Tolerated"; PolyPhen-2: "Probably Damaging"; Align-GVGD: "Class C0"). In summary, this variant is a novel missense change with uncertain impact on protein function. It has been classified as a Variant of Uncertain Significance.

NM_000179.3(MSH6):c.3700G>A (p.Glu1234Lys)

Gene: MSH6 (mutS homolog 6; plus strand). Cytogenetic location: 2p16.3.
Variant type: single nucleotide variant.
Coding change: c.3700G>A on transcript NM_000179.3 (MANE Select); coding-DNA position 3700, G replaced by A.
Protein change: p.Glu1234Lys; replaces glutamic acid 1234 with lysine.
Molecular consequence: missense variant.
Genome position (GRCh38, 1-based): chr2:47,806,257, G>A. VCF-style: chr2-47806257-G-A. GRCh37 (hg19) VCF-style: chr2-48033396-G-A.
Other names: c.3310G>A, p.Glu1104Lys (NM_001281492.2); c.2794G>A, p.Glu932Lys (NM_001281493.2, NM_001281494.2); short protein forms E1234K, E932K, E1104K.
Identifiers: ClinVar variation 455278 (VCV000455278.12), dbSNP rs35717727, ClinGen allele CA346760977.
Genomic context (GRCh38, chr2:47,806,257, plus strand): 5'-TTAACAGGAAGAGGTACTGCAACATTTGATGGGACGGCAATAGCAAATGCAGTTGTTAAA[G>A]AACTTGCTGAGACTATAAAATGTCGTACATTATTTTCAACTCACTACCATTCATTAGTAG-3'
Protein context (NP_000170.1, residues 1224-1244): GTAIANAVVK[Glu1234Lys]LAETIKCRTL